The following is an entry in ClinVar:

NM_006005.3(WFS1):c.17C>A (p.Ala6Asp)

Gene: WFS1 (wolframin ER transmembrane glycoprotein; plus strand). Cytogenetic location: 4p16.1.
Variant type: single nucleotide variant.
Coding change: c.17C>A on transcript NM_006005.3 (MANE Select); coding-DNA position 17, C replaced by A.
Protein change: p.Ala6Asp; replaces alanine 6 with aspartic acid.
Molecular consequence: missense variant.
Genome position (GRCh38, 1-based): chr4:6,277,472, C>A. VCF-style: chr4-6277472-C-A. GRCh37 (hg19) VCF-style: chr4-6279199-C-A.
Other names: c.17C>A, p.Ala6Asp (NM_001145853.1); short protein forms A6D.
Identifiers: ClinVar variation 4765537 (VCV004765537.1).

ClinVar aggregate classification (germline): Uncertain significance (1 of 4 stars; one submission).

Submission:

Labcorp Genetics (formerly Invitae), Labcorp
Classification: Uncertain significance. Last evaluated: 2025-08-23. Review status: criteria provided, single submitter. Criteria: Invitae Variant Classification Sherloc (09022015). Collection method: clinical testing. Allele origin: germline.
Comment: This sequence change replaces alanine, which is neutral and non-polar, with aspartic acid, which is acidic and polar, at codon 6 of the WFS1 protein (p.Ala6Asp). This variant is not present in population databases (gnomAD no frequency). This variant has not been reported in the literature in individuals affected with WFS1-related conditions. Invitae Evidence Modeling of protein sequence and biophysical properties (such as structural, functional, and spatial information, amino acid conservation, physicochemical variation, residue mobility, and thermodynamic stability) indicates that this missense variant is not expected to disrupt WFS1 protein function with a negative predictive value of 80%. In summary, the available evidence is currently insufficient to determine the role of this variant in disease. Therefore, it has been classified as a Variant of Uncertain Significance.